The following is an entry in ClinVar:

NM_203447.4(DOCK8):c.1817G>A (p.Ser606Asn)

Gene: DOCK8 (dedicator of cytokinesis 8; plus strand). Cytogenetic location: 9p24.3.
Variant type: single nucleotide variant.
Coding change: c.1817G>A on transcript NM_203447.4 (MANE Select); coding-DNA position 1817, G replaced by A.
Protein change: p.Ser606Asn; replaces serine 606 with asparagine.
Molecular consequence: missense variant.
Genome position (GRCh38, 1-based): chr9:370,249, G>A. VCF-style: chr9-370249-G-A. GRCh37 (hg19) VCF-style: chr9-370249-G-A.
Other names: c.1613G>A, p.Ser538Asn (NM_001190458.2, NM_001193536.2); short protein forms S538N, S606N.
Identifiers: ClinVar variation 662579 (VCV000662579.12), dbSNP rs778451048, ClinGen allele CA4957954.

ClinVar aggregate classification (germline): Conflicting classifications of pathogenicity. Review status: criteria provided, conflicting classifications (1 of 4 stars). 5 submissions from 5 submitters: Uncertain significance (4); Likely benign (1). Last evaluated 2026-02-06.

Conditions:
Inborn genetic diseases. Identifiers: MedGen C0950123, MeSH D030342.
Combined immunodeficiency due to DOCK8 deficiency (HIES2). Also called: HIES autosomal recessive; HYPER-IgE RECURRENT INFECTION SYNDROME 2, AUTOSOMAL RECESSIVE; HYPER-IgE SYNDROME 2, AUTOSOMAL RECESSIVE, WITH RECURRENT INFECTIONS; Hyper-IgE recurrent infection syndrome, autosomal recessive; DOCK8 Deficiency. Identifiers: Orphanet 217390, MedGen C4722305, MONDO:0009478, OMIM 243700.

Allele frequency attached by ClinVar (database versions not stated): gnomAD exomes 0.00002 and 0.00007; gnomAD 0.00003 and 0.00004; TOPMed 0.00005.
gnomAD v4.1: 69 of 1,613,968 alleles (0.0043%); highest among the groups gnomAD compares: South Asian, 0.029%; no homozygotes.

Submissions (5):

Women's Health and Genetics/Laboratory Corporation of America, LabCorp
Classification: Uncertain significance. Last evaluated: 2026-02-06. Review status: criteria provided, single submitter. Criteria: LabCorp Variant Classification Summary - May 2015. Collection method: clinical testing. Allele origin: germline.
Comment: Variant summary: DOCK8 c.1817G>A (p.Ser606Asn) results in a conservative amino acid change in the encoded protein sequence. Algorithms developed to predict the effect of missense changes on protein structure and function are either unavailable or do not agree on the potential impact of this missense change. The variant allele was found at a frequency of 6.8e-05 in 251392 control chromosomes. This frequency is not significantly higher than estimated for disease-causing variants in DOCK8, allowing no conclusion about variant significance. To our knowledge, no occurrence of c.1817G>A in individuals affected with DOCK8-related conditions and no experimental evidence demonstrating its impact on protein function have been reported. ClinVar contains an entry for this variant (Variation ID: 662579). Based on the evidence outlined above, the variant was classified as uncertain significance.

Labcorp Genetics (formerly Invitae), Labcorp
Classification: Uncertain significance for Combined immunodeficiency due to DOCK8 deficiency. Last evaluated: 2025-01-23. Review status: criteria provided, single submitter. Criteria: Invitae Variant Classification Sherloc (09022015). Collection method: clinical testing. Allele origin: germline.
Comment: This sequence change replaces serine, which is neutral and polar, with asparagine, which is neutral and polar, at codon 606 of the DOCK8 protein (p.Ser606Asn). This variant is present in population databases (rs778451048, gnomAD 0.03%). This variant has not been reported in the literature in individuals affected with DOCK8-related conditions. ClinVar contains an entry for this variant (Variation ID: 662579). Invitae Evidence Modeling of protein sequence and biophysical properties (such as structural, functional, and spatial information, amino acid conservation, physicochemical variation, residue mobility, and thermodynamic stability) indicates that this missense variant is not expected to disrupt DOCK8 protein function with a negative predictive value of 80%. In summary, the available evidence is currently insufficient to determine the role of this variant in disease. Therefore, it has been classified as a Variant of Uncertain Significance.

Blueprint Genetics
Classification: Uncertain significance. Last evaluated: 2023-12-29. Review status: criteria provided, single submitter. Criteria: ACMG Guidelines, 2015. Collection method: clinical testing. Allele origin: germline.

Ambry Genetics
Classification: Likely benign for Inborn genetic diseases. Last evaluated: 2022-01-26. Review status: criteria provided, single submitter. Criteria: Ambry Variant Classification Scheme 2023. Collection method: clinical testing. Allele origin: germline.

Illumina Laboratory Services, Illumina
Classification: Uncertain significance for Combined immunodeficiency due to DOCK8 deficiency. Last evaluated: 2018-01-13. Review status: criteria provided, single submitter. Criteria: ICSL Variant Classification Criteria 13 December 2019. Collection method: clinical testing. Allele origin: germline.